The following is an entry in ClinVar:

ClinVar aggregate classification (germline): Likely benign. Review status: criteria provided, multiple submitters, no conflicts (2 of 4 stars). 3 submissions from 3 submitters: Likely benign (2). 1 of the submissions does not count toward it. Last evaluated 2026-01-13.

Conditions:
AP3B2-related disorder. Also called: AP3B2-related condition.

Allele frequency attached by ClinVar (database versions not stated): ExAC 0.00013; gnomAD exomes 0.00018; 1000 Genomes Project 30x 0.00031; 1000 Genomes Project 0.00040.
gnomAD v4.1: 84 of 1,612,004 alleles (0.0052%); highest among the groups gnomAD compares: Admixed American, 0.1%; no homozygotes.

Submissions (3):

Labcorp Genetics (formerly Invitae), Labcorp
Classification: Likely benign. Last evaluated: 2026-01-13. Review status: criteria provided, single submitter. Criteria: Invitae Variant Classification Sherloc (09022015). Collection method: clinical testing. Allele origin: germline.

Blueprint Genetics
Classification: Likely benign. Last evaluated: 2023-03-28. Review status: criteria provided, single submitter. Criteria: ACMG Guidelines, 2015. Collection method: clinical testing. Allele origin: germline.

PreventionGenetics, part of Exact Sciences
Classification: Likely benign for AP3B2-related condition. Last evaluated: 2019-05-14. Review status: no assertion criteria provided. Collection method: clinical testing. Allele origin: germline. Not counted in ClinVar's aggregate classification.
Comment: This variant is classified as likely benign based on ACMG/AMP sequence variant interpretation guidelines (Richards et al. 2015 PMID: 25741868, with internal and published modifications).

NM_001278512.2(AP3B2):c.361-8G>C

Genes: AP3B2 (adaptor related protein complex 3 subunit beta 2; minus strand), CPEB1-AS1 (CPEB1 antisense RNA 1; plus strand). Cytogenetic location: 15q25.2.
Variant type: single nucleotide variant.
Coding change: c.361-8G>C on transcript NM_001278512.2 (MANE Select); 8 bases into the intron before coding-DNA position 361, G replaced by C.
Molecular consequence: intron variant.
Genome position (GRCh38, 1-based): chr15:82,681,588, C>G on the plus strand (G>C on the coding strand, the complement: AP3B2 is on the minus strand). VCF-style: chr15-82681588-C-G. GRCh37 (hg19) VCF-style: chr15-83350340-C-G.
Other names: c.265-8G>C (NM_001278511.2); c.361-8G>C (NM_004644.5, NM_004644.4).
Identifiers: ClinVar variation 1549352 (VCV001549352.11), dbSNP rs201123361, ClinGen allele CA7700485.